The following is an entry in ClinVar:

NM_001323289.2(CDKL5):c.134A>G (p.Lys45Arg)

Gene: CDKL5 (cyclin dependent kinase like 5; plus strand). Cytogenetic location: Xp22.13.
Variant type: single nucleotide variant.
Coding change: c.134A>G on transcript NM_001323289.2 (MANE Select); coding-DNA position 134, A replaced by G.
Protein change: p.Lys45Arg; replaces lysine 45 with arginine.
Molecular consequence: missense variant.
Genome position (GRCh38, 1-based): chrX:18,564,511, A>G. VCF-style: chrX-18564511-A-G. GRCh37 (hg19) VCF-style: chrX-18582631-A-G.
Other names: c.134A>G, p.Lys45Arg (NM_001037343.2, NM_003159.3); short protein forms K45R.
Identifiers: ClinVar variation 2546702 (VCV002546702.3), dbSNP rs2518834517, ClinGen allele CA412346734.
Genomic context (GRCh38, chrX:18,564,511, plus strand): 5'-TTCCTTCTGCTTCTTTTCCCTTGCAGGAAACACATGAAATTGTGGCGATCAAGAAATTCA[A>G]GGACAGTGAAGGTAGATATATATATATATATATATATATCTGTATATATGTATTTTTCCT-3'
Protein context (NP_001310218.1, residues 35-55): THEIVAIKKF[Lys45Arg]DSEENEEVKE

ClinVar aggregate classification (germline): Uncertain significance (1 of 4 stars; one submission).

Conditions:
Inborn genetic diseases. Identifiers: MedGen C0950123, MeSH D030342.

Allele frequency attached by ClinVar (database versions not stated): gnomAD exomes below 0.00001.
gnomAD v4.1: 1 of 977,276 alleles (0.0001%); highest among the groups gnomAD compares: Non-Finnish European, 0.00014%; no homozygotes.

Submission:

Ambry Genetics
Classification: Uncertain significance for Inborn genetic diseases. Last evaluated: 2023-06-22. Review status: criteria provided, single submitter. Criteria: Ambry Variant Classification Scheme 2023. Collection method: clinical testing. Allele origin: germline.
Comment: The c.134A>G (p.K45R) alteration is located in exon 4 (coding exon 3) of the CDKL5 gene. This alteration results from an A to G substitution at nucleotide position 134, causing the lysine (K) at amino acid position 45 to be replaced by an arginine (R). This variant was not reported in population-based cohorts in the Genome Aggregation Database (gnomAD). This amino acid position is highly conserved in available vertebrate species. This missense alteration is located in a region that has a low rate of benign missense variation (Lek, 2016; Firth, 2009). This alteration is predicted to be tolerated by in silico analysis. Based on insufficient or conflicting evidence, the clinical significance of this alteration remains unclear.